The following is an entry in ClinVar:

NM_003283.6(TNNT1):c.47-13C>T

Gene: TNNT1 (troponin T1, slow skeletal type; minus strand). Cytogenetic location: 19q13.42.
Variant type: single nucleotide variant.
Coding change: c.47-13C>T on transcript NM_003283.6 (MANE Select); 13 bases into the intron before coding-DNA position 47, C replaced by T.
Molecular consequence: intron variant.
Genome position (GRCh38, 1-based): chr19:55,146,720, G>A on the plus strand (C>T on the coding strand, the complement: TNNT1 is on the minus strand). VCF-style: chr19-55146720-G-A. GRCh37 (hg19) VCF-style: chr19-55658088-G-A.
Other names: c.47-13C>T (NM_001126133.3, NM_001126132.3, NM_001291774.2).
Identifiers: ClinVar variation 31863 (VCV000031863.25), dbSNP rs11669534, ClinGen allele CA147639.

ClinVar aggregate classification (germline): Benign/Likely benign. Review status: criteria provided, multiple submitters, no conflicts (2 of 4 stars). 9 submissions from 9 submitters: Benign (7); Likely benign (1). 1 of the submissions does not count toward it. Last evaluated 2026-02-04.

Conditions:
Nemaline myopathy 5 (NEM5A). Also called: NEMALINE MYOPATHY 5A, AUTOSOMAL RECESSIVE, SEVERE INFANTILE; NEMALINE MYOPATHY, AMISH TYPE; Nemaline myopathy 5, Amish type. Identifiers: Orphanet 98902, MedGen C1854380, MONDO:0011539, OMIM 605355.

Allele frequency attached by ClinVar (database versions not stated): 1000 Genomes Project 30x 0.06184; 1000 Genomes Project 0.06430; ESP Exome Variant Server 0.10482; gnomAD exomes 0.10540; TOPMed 0.11394; gnomAD 0.11553; ExAC 0.23461.
gnomAD v4.1: 234,641 of 1,499,846 alleles (16%); highest among the groups gnomAD compares: Non-Finnish European, 18%; 20,718 homozygotes.

Submissions (9):

Labcorp Genetics (formerly Invitae), Labcorp
Classification: Benign for Nemaline myopathy 5. Last evaluated: 2026-02-04. Review status: criteria provided, single submitter. Criteria: Invitae Variant Classification Sherloc (09022015). Collection method: clinical testing. Allele origin: germline.

Fulgent Genetics
Classification: Likely benign for Nemaline myopathy 5. Last evaluated: 2021-08-24. Review status: criteria provided, single submitter. Criteria: ACMG Guidelines, 2015. Collection method: clinical testing. Allele origin: unknown.

Illumina Laboratory Services, Illumina
Classification: Benign for Nemaline myopathy 5. Last evaluated: 2018-01-13. Review status: criteria provided, single submitter. Criteria: ICSL Variant Classification Criteria 13 December 2019. Collection method: clinical testing. Allele origin: germline.
Comment: This variant was observed in the ICSL laboratory as part of a predisposition screen in an ostensibly healthy population. It had not been previously curated by ICSL or reported in the Human Gene Mutation Database (HGMD: prior to June 1st, 2018), and was therefore a candidate for classification through an automated scoring system. Utilizing variant allele frequency, disease prevalence and penetrance estimates, and inheritance mode, an automated score was calculated to assess if this variant is too frequent to cause the disease. Based on the score and internal cut-off values, a variant classified as benign is not then subjected to further curation. The score for this variant resulted in a classification of benign for this disease.

GeneDx
Classification: Benign. Last evaluated: 2016-02-04. Review status: criteria provided, single submitter. Criteria: GeneDx Variant Classification (06012015). Collection method: clinical testing. Allele origin: germline. Affected: yes.
Comment: This variant is considered likely benign or benign based on one or more of the following criteria: it is a conservative change, it occurs at a poorly conserved position in the protein, it is predicted to be benign by multiple in silico algorithms, and/or has population frequency not consistent with disease.

Eurofins Ntd Llc (ga)
Classification: Benign. Last evaluated: 2015-01-09. Review status: criteria provided, single submitter. Criteria: EGL Classification Definitions 2015. Collection method: clinical testing. Allele origin: germline. Observed: 10 variant alleles, 8 heterozygotes, 2 homozygotes.

Laboratory for Molecular Medicine, Mass General Brigham Personalized Medicine
Classification: Benign. Last evaluated: 2014-11-26. Review status: criteria provided, single submitter. Criteria: LMM Criteria. Collection method: clinical testing. Allele origin: germline. Observed: 5 variant alleles.
Comment: c.47-13C>T in intron 3 of TNNT1: This variant is not expected to have clinical s ignificance because it has been identified in 14% (985/6886) of European America n chromosomes by the NHLBI Exome Sequencing Project (u/EVS/; dbSNP rs11669534).

Breakthrough Genomics
Classification: Benign. Review status: criteria provided, single submitter. Criteria: ACMG Guidelines, 2015. Collection method: not provided. Allele origin: germline. Inheritance: Autosomal recessive inheritance. Affected: yes.

PreventionGenetics, part of Exact Sciences
Classification: Benign. Review status: criteria provided, single submitter. Criteria: ACMG Guidelines, 2015. Collection method: clinical testing. Allele origin: germline.

Leiden Muscular Dystrophy (TNNT1)
No classification provided. Last evaluated: 2012-03-18. Review status: no classification provided. Collection method: curation. Allele origin: germline. Not counted in ClinVar's aggregate classification.